The following is an entry in ClinVar:

NM_152383.5(DIS3L2):c.377C>T (p.Pro126Leu)

Gene: DIS3L2 (DIS3 like 3'-5' exoribonuclease 2; plus strand). Cytogenetic location: 2q37.1.
Variant type: single nucleotide variant.
Coding change: c.377C>T on transcript NM_152383.5 (MANE Select); coding-DNA position 377, C replaced by T.
Protein change: p.Pro126Leu; replaces proline 126 with leucine.
Molecular consequence: missense variant. On other transcripts: non-coding transcript variant (2).
Genome position (GRCh38, 1-based): chr2:232,087,497, C>T. VCF-style: chr2-232087497-C-T. GRCh37 (hg19) VCF-style: chr2-232952207-C-T.
Other names: c.377C>T, p.Pro126Leu (NM_001257281.2, NM_001257282.2); short protein forms P126L.
Identifiers: ClinVar variation 1056380 (VCV001056380.9), dbSNP rs2106309228, ClinGen allele CA351154836.

ClinVar aggregate classification (germline): Uncertain significance (1 of 4 stars; one submission).

Conditions:
Perlman syndrome (PRLMNS). Identifiers: Orphanet 2849, MedGen C0796113, MONDO:0009965, OMIM 267000.

Allele frequency attached by ClinVar (database versions not stated): gnomAD exomes below 0.00001.
gnomAD v4.1: 1 of 1,610,160 alleles (0.000062%); highest among the groups gnomAD compares: Non-Finnish European, 0.000085%; no homozygotes.

Submission:

Labcorp Genetics (formerly Invitae), Labcorp
Classification: Uncertain significance for Perlman syndrome. Last evaluated: 2020-08-24. Review status: criteria provided, single submitter. Criteria: Invitae Variant Classification Sherloc (09022015). Collection method: clinical testing. Allele origin: germline.
Comment: This sequence change replaces proline with leucine at codon 126 of the DIS3L2 protein (p.Pro126Leu). The proline residue is weakly conserved and there is a moderate physicochemical difference between proline and leucine. This variant is not present in population databases (ExAC no frequency). This variant has not been reported in the literature in individuals with DIS3L2-related conditions. Algorithms developed to predict the effect of missense changes on protein structure and function are either unavailable or do not agree on the potential impact of this missense change (SIFT: "Deleterious"; PolyPhen-2: "Benign"; Align-GVGD: "Class C0"). In summary, the available evidence is currently insufficient to determine the role of this variant in disease. Therefore, it has been classified as a Variant of Uncertain Significance.